The following is an entry in ClinVar:

ClinVar aggregate classification (germline): Uncertain significance. Review status: criteria provided, multiple submitters, no conflicts (2 of 4 stars). 2 submissions from 2 submitters: Uncertain significance (2). Last evaluated 2025-10-08.

Submissions (2):

Ambry Genetics
Classification: Uncertain significance. Last evaluated: 2025-10-08. Review status: criteria provided, single submitter. Criteria: Ambry Variant Classification Scheme 2023. Collection method: clinical testing. Allele origin: germline.

Labcorp Genetics (formerly Invitae), Labcorp
Classification: Uncertain significance. Last evaluated: 2024-08-05. Review status: criteria provided, single submitter. Criteria: Invitae Variant Classification Sherloc (09022015). Collection method: clinical testing. Allele origin: germline.
Comment: This sequence change replaces aspartic acid, which is acidic and polar, with glycine, which is neutral and non-polar, at codon 163 of the GINS1 protein (p.Asp163Gly). This variant is not present in population databases (gnomAD no frequency). This variant has not been reported in the literature in individuals affected with GINS1-related conditions. An algorithm developed to predict the effect of missense changes on protein structure and function (PolyPhen-2) suggests that this variant is likely to be disruptive. In summary, the available evidence is currently insufficient to determine the role of this variant in disease. Therefore, it has been classified as a Variant of Uncertain Significance.

NM_021067.5(GINS1):c.488A>G (p.Asp163Gly)

Gene: GINS1 (GINS complex subunit 1; plus strand). Cytogenetic location: 20p11.21.
Variant type: single nucleotide variant.
Coding change: c.488A>G on transcript NM_021067.5 (MANE Select); coding-DNA position 488, A replaced by G.
Protein change: p.Asp163Gly; replaces aspartic acid 163 with glycine.
Molecular consequence: missense variant. On other transcripts: non-coding transcript variant (1).
Genome position (GRCh38, 1-based): chr20:25,441,742, A>G. VCF-style: chr20-25441742-A-G. GRCh37 (hg19) VCF-style: chr20-25422378-A-G.
Other names: c.488A>G (NM_021067.3); c.371A>G, p.Asp124Gly (NM_001410830.1); c.233A>G, p.Asp78Gly (NM_001410831.1); short protein forms D124G, D163G, D78G.
Identifiers: ClinVar variation 3715293 (VCV003715293.3).